The following is an entry in ClinVar:

ClinVar aggregate classification (germline): Uncertain significance. Review status: criteria provided, multiple submitters, no conflicts (2 of 4 stars). 2 submissions from 2 submitters: Uncertain significance (2). Last evaluated 2022-10-27.

Allele frequency attached by ClinVar (database versions not stated): TOPMed 0.00003; gnomAD 0.00001; ExAC 0.00002.

Submissions (2):

GeneDx
Classification: Uncertain significance. Last evaluated: 2022-10-27. Review status: criteria provided, single submitter. Criteria: GeneDx Variant Classification Process June 2021. Collection method: clinical testing. Allele origin: germline. Affected: yes.
Comment: Not observed at significant frequency in large population cohorts (gnomAD); Missense variant in a gene in which most reported pathogenic variants are truncating/loss of function; Has not been previously published as pathogenic or benign to our knowledge

Revvity Omics, Revvity
Classification: Uncertain significance. Last evaluated: 2020-08-27. Review status: criteria provided, single submitter. Criteria: ACMG Guidelines, 2015. Collection method: clinical testing. Allele origin: germline.

NM_001267550.2(TTN):c.65417G>A (p.Arg21806Gln)

Genes: TTN (titin; minus strand), TTN-AS1 (TTN antisense RNA 1; plus strand). Cytogenetic location: 2q31.2.
Variant type: single nucleotide variant.
Coding change: c.65417G>A on transcript NM_001267550.2 (MANE Select); coding-DNA position 65417, G replaced by A.
Protein change: p.Arg21806Gln; replaces arginine 21806 with glutamine.
Molecular consequence: missense variant. On other transcripts: non-coding transcript variant (1).
Genome position (GRCh38, 1-based): chr2:178,583,765, C>T on the plus strand (G>A on the coding strand, the complement: TTN is on the minus strand). VCF-style: chr2-178583765-C-T. GRCh37 (hg19) VCF-style: chr2-179448492-C-T.
Other names: c.60494G>A, p.Arg20165Gln (NM_001256850.1); c.38222G>A, p.Arg12741Gln (NM_003319.4); c.57713G>A, p.Arg19238Gln (NM_133378.4); c.38597G>A, p.Arg12866Gln (NM_133432.3); c.38798G>A, p.Arg12933Gln (NM_133437.4); short protein forms R12741Q, R12866Q, R12933Q, R19238Q, R20165Q, R21806Q.
Identifiers: ClinVar variation 2438306 (VCV002438306.4), dbSNP rs771120053, ClinGen allele CA1991704.